The following is an entry in ClinVar:

ClinVar aggregate classification (germline): Uncertain significance (1 of 4 stars; one submission).

gnomAD v4.1: 4 of 1,613,934 alleles (0.00025%); highest among the groups gnomAD compares: African/African-American, 0.0013%; no homozygotes.

Submission:

GeneDx
Classification: Uncertain significance. Last evaluated: 2026-04-14. Review status: criteria provided, single submitter. Criteria: GeneDx Variant Classification Process June 2021. Collection method: clinical testing. Allele origin: germline.
Comment: Not observed at significant frequency in large population cohorts (gnomAD); In silico analysis supports that this missense variant has a deleterious effect on protein structure/function; Has not been previously published as pathogenic or benign to our knowledge

NM_000070.3(CAPN3):c.448C>A (p.Pro150Thr)

Genes: CAPN3 (calpain 3; plus strand), LOC126862115 (BRD4-independent group 4 enhancer GRCh37_chr15:42677734-42678933; plus strand). Cytogenetic location: 15q15.1.
Variant type: single nucleotide variant.
Coding change: c.448C>A on transcript NM_000070.3 (MANE Select); coding-DNA position 448, C replaced by A.
Protein change: p.Pro150Thr; replaces proline 150 with threonine.
Molecular consequence: missense variant.
Genome position (GRCh38, 1-based): chr15:42,386,235, C>A. VCF-style: chr15-42386235-C-A. GRCh37 (hg19) VCF-style: chr15-42678433-C-A.
Other names: c.448C>A, p.Pro150Thr (NM_024344.2, NM_173087.2); short protein forms P150T.
Identifiers: ClinVar variation 5037122 (VCV005037122.1).
Genomic context (GRCh38, chr15:42,386,235, plus strand): 5'-TGGTTTCTCGCAGCCATTGCCTGCCTGACCCTGAACCAGCACCTTCTTTTCCGAGTCATA[C>A]CCCATGATCAAAGTTTCATCGAAAACTACGCAGGGATCTTCCACTTCCAGGTGAGGTAAT-3'
Protein context (NP_000061.1, residues 140-160): LNQHLLFRVI[Pro150Thr]HDQSFIENYA